The following is an entry in ClinVar:

NC_000009.12:g.35658027A>C

Gene: RMRP (RNA component of mitochondrial RNA processing endoribonuclease; minus strand). Cytogenetic location: 9p13.3.
Variant type: single nucleotide variant.
Genome position: GRCh38 VCF-style: chr9-35658027-A-C. GRCh37 (hg19) VCF-style: chr9-35658024-A-C.
Identifiers: ClinVar variation 533771 (VCV000533771.40), dbSNP rs12552387, ClinGen allele CA5045884.
Genomic context (GRCh38, chr9:35,658,027, plus strand): 5'-AGGAACAGAGTCCTCAGTGTGTAGCCTAGGATACAGGCCTTCAGCACGAACCACGTCCTC[A>C]GCTTCACAGAGTAGTATTTTATAGCCCTAAAGAAATTGTGTTTTATGATTAGGGTGAGAA-3'

ClinVar aggregate classification (germline): Benign. Review status: reviewed by expert panel (3 of 4 stars). 6 submissions from 6 submitters: Benign (1). 5 of the submissions do not count toward it. Last evaluated 2026-08-26.

Conditions:
Anauxetic dysplasia. Identifiers: Orphanet 93347, MedGen C1846796, MONDO:0011773.
Metaphyseal chondrodysplasia, McKusick type (CHH). Also called: Cartilage-hair hypoplasia; Cartilage-Hair Hypoplasia (CHH). Identifiers: Orphanet 175, MedGen C0220748, MONDO:0009595, OMIM 250250.

Allele frequency attached by ClinVar (database versions not stated): 1000 Genomes Project 0.00319; 1000 Genomes Project 30x 0.00281; TOPMed 0.00289.

Submissions (6):

ClinGen Severe Combined Immunodeficiency Variant Curation Expert Panel, ClinGen
Classification: Benign for Metaphyseal chondrodysplasia, McKusick type. Last evaluated: 2026-08-26. Review status: reviewed by expert panel. Criteria: ClinGen SCID ACMG Specifications RMRP V1.3. Collection method: curation. Allele origin: germline. Inheritance: Autosomal recessive inheritance.
Comment: NC_000009.12:g.35658027A>C variant is also known as n.-9T>G, in RMRP gene. The Grpmax filtering allele frequency of this variant in gnomAD v4.1.1 (African/African American population) is 0.005631, which is higher than the ClinGen SCID VCEP threshold (>0.00400) for BA1, and therefore meets this criterion (BA1). Therefore, this variant is classified as benign for autosomal recessive cartilage-hair hypoplasia based on the ACMG/AMP criteria applied, as specified by the ClinGen SCID VCEP: BA1. (VCEP specifications version 1.3.0) [Evidences: BA1]

Labcorp Genetics (formerly Invitae), Labcorp
Classification: Likely benign for Anauxetic dysplasia. Last evaluated: 2026-02-01. Review status: criteria provided, single submitter. Criteria: Invitae Variant Classification Sherloc (09022015). Collection method: clinical testing. Allele origin: germline. Not counted in ClinVar's aggregate classification.

Blueprint Genetics
Classification: Likely benign. Last evaluated: 2024-11-01. Review status: criteria provided, single submitter. Criteria: ACMG Guidelines, 2015. Collection method: clinical testing. Allele origin: germline. Not counted in ClinVar's aggregate classification.

GeneDx
Classification: Likely benign. Last evaluated: 2022-11-14. Review status: criteria provided, single submitter. Criteria: GeneDx Variant Classification Process June 2021. Collection method: clinical testing. Allele origin: germline. Affected: yes. Not counted in ClinVar's aggregate classification.
Comment: Located in a region that tolerates variation and lacks pathogenic variants; Has not been previously published as pathogenic or benign to our knowledge

Women's Health and Genetics/Laboratory Corporation of America, LabCorp
Classification: Likely benign. Last evaluated: 2022-02-18. Review status: criteria provided, single submitter. Criteria: LabCorp Variant Classification Summary - May 2015. Collection method: clinical testing. Allele origin: germline. Not counted in ClinVar's aggregate classification.
Comment: Variant summary: RMRP n.-9T>G is located in the untranscribed region upstream of the RMRP gene region. The variant allele was found at a frequency of 0.00097 in 157506 control chromosomes in the gnomAD database, including 2 homozygotes. To our knowledge, no occurrence of n.-9T>G in individuals affected with Cartilage-Hair Hypoplasia and no experimental evidence demonstrating its impact on protein function have been reported. Two clinical diagnostic laboratories have submitted clinical-significance assessments for this variant to ClinVar after 2014 without evidence for independent evaluation. Both laboratories classified the variant as likely benign. Based on the evidence outlined above, the variant was classified as likely benign.

Natera, Inc.
Classification: Likely benign for Cartilage-hair hypoplasia. Last evaluated: 2020-07-27. Review status: no assertion criteria provided. Collection method: clinical testing. Allele origin: germline. Not counted in ClinVar's aggregate classification.